The following is an entry in ClinVar:

ClinVar aggregate classification (germline): Uncertain significance (1 of 4 stars; one submission).

Submission:

Ambry Genetics
Classification: Uncertain significance. Last evaluated: 2025-03-28. Review status: criteria provided, single submitter. Criteria: Ambry Variant Classification Scheme 2023. Collection method: clinical testing. Allele origin: germline.
Comment: The p.R918K variant (also known as c.2753G>A), located in coding exon 1 of the TET2 gene, results from a G to A substitution at nucleotide position 2753. The arginine at codon 918 is replaced by lysine, an amino acid with highly similar properties. This amino acid position is conserved. In addition, this alteration is predicted to be tolerated by in silico analysis. Based on the available evidence, the clinical significance of this variant remains unclear.

NM_001127208.3(TET2):c.2753G>A (p.Arg918Lys)

Genes: TET2 (tet methylcytosine dioxygenase 2; plus strand), TET2-AS1 (TET2 antisense RNA 1; minus strand). Cytogenetic location: 4q24.
Variant type: single nucleotide variant.
Coding change: c.2753G>A on transcript NM_001127208.3 (MANE Select); coding-DNA position 2753, G replaced by A.
Protein change: p.Arg918Lys; replaces arginine 918 with lysine.
Molecular consequence: missense variant.
Genome position (GRCh38, 1-based): chr4:105,236,695, G>A. VCF-style: chr4-105236695-G-A. GRCh37 (hg19) VCF-style: chr4-106157852-G-A.
Other names: c.2753G>A, p.Arg918Lys (NM_017628.4); short protein forms R918K.
Identifiers: ClinVar variation 3967496 (VCV003967496.1).